The following is an entry in ClinVar:

NM_138383.3(MTSS2):c.2073C>T (p.Gly691=)

Gene: MTSS2 (MTSS I-BAR domain containing 2; minus strand). Cytogenetic location: 16q22.1.
Variant type: single nucleotide variant.
Coding change: c.2073C>T on transcript NM_138383.3 (MANE Select); coding-DNA position 2073, C replaced by T.
Protein change: p.Gly691=; no amino-acid change (glycine 691 retained).
Molecular consequence: synonymous variant.
Genome position (GRCh38, 1-based): chr16:70,663,848, G>A on the plus strand (C>T on the coding strand, the complement: MTSS2 is on the minus strand). VCF-style: chr16-70663848-G-A. GRCh37 (hg19) VCF-style: chr16-70697751-G-A.
Identifiers: ClinVar variation 5040664 (VCV005040664.1).

ClinVar aggregate classification (germline): Likely benign (1 of 4 stars; one submission).

gnomAD v4.1: 37 of 1,541,248 alleles (0.0024%); highest among the groups gnomAD compares: African/African-American, 0.037%; no homozygotes.

Submission:

CeGaT Center for Human Genetics Tuebingen
Classification: Likely benign. Last evaluated: 2026-08-01. Review status: criteria provided, single submitter. Criteria: CeGaT Center For Human Genetics Tuebingen Variant Classification Criteria Version 2. Collection method: clinical testing. Allele origin: germline. Affected: yes. Observed: 1 variant allele.
Comment: MTSS2: BP4, BP7